The following is an entry in ClinVar:

ClinVar aggregate classification (germline): Uncertain significance. Review status: criteria provided, multiple submitters, no conflicts (2 of 4 stars). 2 submissions from 2 submitters: Uncertain significance (2). Last evaluated 2024-02-14.

Conditions:
Mucolipidosis type IV (ML4). Also called: ML IV. Identifiers: Orphanet 578, MedGen C0238286, MONDO:0009653, OMIM 252650.

Submissions (2):

Labcorp Genetics (formerly Invitae), Labcorp
Classification: Uncertain significance for Mucolipidosis type IV. Last evaluated: 2024-02-14. Review status: criteria provided, single submitter. Criteria: Invitae Variant Classification Sherloc (09022015). Collection method: clinical testing. Allele origin: germline.
Comment: This sequence change falls in intron 3 of the MCOLN1 gene. It does not directly change the encoded amino acid sequence of the MCOLN1 protein. This variant is present in population databases (no rsID available, gnomAD 0.03%). This variant has not been reported in the literature in individuals affected with MCOLN1-related conditions. ClinVar contains an entry for this variant (Variation ID: 2144151). In summary, the available evidence is currently insufficient to determine the role of this variant in disease. Therefore, it has been classified as a Variant of Uncertain Significance.

Breakthrough Genomics
Classification: Uncertain significance. Review status: criteria provided, single submitter. Criteria: ACMG Guidelines, 2015. Collection method: not provided. Allele origin: germline. Inheritance: Autosomal recessive inheritance. Affected: yes.

NM_020533.3(MCOLN1):c.405+13_405+30dup

Gene: MCOLN1 (mucolipin TRP cation channel 1; plus strand). Cytogenetic location: 19p13.2.
Variant type: Duplication.
Coding change: c.405+13_405+30dup on transcript NM_020533.3 (MANE Select); bases 13 to 30 of the intron after coding-DNA position 405, 18 bases duplicated (GGGCAGGTGCTGGTGGGC).
Molecular consequence: splice donor variant.
Genome position (GRCh38, 1-based): chr19:7,526,619-7,526,636, GGGCAGGTGCTGGTGGGC duplicated; duplicating any 18 consecutive bases within chr19:7,526,604-7,526,636 gives the same sequence; the c. name uses the placement nearest the transcript's 3' end. VCF-style (leftmost placement, unchanged base first): chr19-7526603-C-CCAGGTGCTGGTGGGCGGG. GRCh37 (hg19) VCF-style: chr19-7591489-C-CCAGGTGCTGGTGGGCGGG.
Identifiers: ClinVar variation 2144151 (VCV002144151.3), dbSNP rs1475127440, ClinGen allele CA9138702.